The following is an entry in ClinVar:

ClinVar aggregate classification (germline): Benign/Likely benign. Review status: criteria provided, multiple submitters, no conflicts (2 of 4 stars). 4 submissions from 4 submitters: Benign (1); Likely benign (3). Last evaluated 2024-03-07.

Conditions:
Hereditary cancer-predisposing syndrome. Also called: Neoplastic Syndromes, Hereditary; Tumor predisposition; Hereditary Cancer Syndrome; Hereditary neoplastic syndrome. Identifiers: Orphanet 140162, MedGen C0027672, MeSH D009386, MONDO:0015356.
Familial adenomatous polyposis 1 (FAP1). Also called: FAMILIAL ADENOMATOUS POLYPOSIS 1, ATTENUATED; POLYPOSIS, ADENOMATOUS INTESTINAL. Identifiers: MedGen C2713442, MONDO:0021056, OMIM 175100. Disease mechanism: loss of function.

Allele frequency attached by ClinVar (database versions not stated): gnomAD exomes below 0.00001.
gnomAD v4.1: 4 of 1,614,066 alleles (0.00025%); highest among the groups gnomAD compares: Non-Finnish European, 0.00034%; no homozygotes.

Submissions (4):

Myriad Genetics, Inc.
Classification: Benign for Familial adenomatous polyposis 1. Last evaluated: 2024-03-07. Review status: criteria provided, single submitter. Criteria: Myriad Autosomal Dominant, Autosomal Recessive and X-Linked Classification Criteria (2023). Collection method: clinical testing. Allele origin: unknown.
Comment: This variant is considered benign. This variant is a silent/synonymous amino acid change and it is not expected to impact splicing.

Labcorp Genetics (formerly Invitae), Labcorp
Classification: Likely benign for Familial adenomatous polyposis 1. Last evaluated: 2023-12-27. Review status: criteria provided, single submitter. Criteria: Invitae Variant Classification Sherloc (09022015). Collection method: clinical testing. Allele origin: germline.

Color Diagnostics, LLC DBA Color Health
Classification: Likely benign for Hereditary cancer-predisposing syndrome. Last evaluated: 2018-09-05. Review status: criteria provided, single submitter. Criteria: ACMG Guidelines, 2015. Collection method: clinical testing. Allele origin: germline.

Ambry Genetics
Classification: Likely benign for Hereditary cancer-predisposing syndrome. Last evaluated: 2014-11-06. Review status: criteria provided, single submitter. Criteria: Ambry Variant Classification Scheme 2023. Collection method: clinical testing. Allele origin: germline.

NM_000038.6(APC):c.1908T>C (p.Gly636=)

Gene: APC (APC regulator of Wnt signaling pathway; plus strand). Cytogenetic location: 5q22.2.
Variant type: single nucleotide variant.
Coding change: c.1908T>C on transcript NM_000038.6 (MANE Select); coding-DNA position 1908, T replaced by C.
Protein change: p.Gly636=; no amino-acid change (glycine 636 retained).
Molecular consequence: synonymous variant.
Genome position (GRCh38, 1-based): chr5:112,835,115, T>C. VCF-style: chr5-112835115-T-C. GRCh37 (hg19) VCF-style: chr5-112170812-T-C.
Other names: c.1908T>C, p.Gly636= (NM_001127510.3, NM_001354895.2); c.1854T>C, p.Gly618= (NM_001127511.3); c.1962T>C, p.Gly654= (NM_001354896.2); c.1938T>C, p.Gly646= (NM_001354897.2); c.1833T>C, p.Gly611= (NM_001354898.2); c.1824T>C, p.Gly608= (NM_001354899.2); c.1785T>C, p.Gly595= (NM_001354900.2); c.1731T>C, p.Gly577= (NM_001354901.2); and 5 more.
Identifiers: ClinVar variation 186647 (VCV000186647.12), dbSNP rs79015778, ClinGen allele CA006295.
Genomic context (GRCh38, chr5:112,835,115, plus strand): 5'-GGTTGGCACTCTTACTTACCGGAGCCAGACAAACACTTTAGCCATTATTGAAAGTGGAGG[T>C]GGGATATTACGGAATGTGTCCAGCTTGATAGCTACAAATGAGGACCACAGGTATATATAG-3'
Protein context (NP_000029.2, residues 626-646): TNTLAIIESG[Gly636=]GILRNVSSLI